The following is an entry in ClinVar:

NM_000180.4(GUCY2D):c.1472T>C (p.Leu491Pro)

Gene: GUCY2D (guanylate cyclase 2D, retinal; plus strand). Cytogenetic location: 17p13.1.
Variant type: single nucleotide variant.
Coding change: c.1472T>C on transcript NM_000180.4 (MANE Select); coding-DNA position 1472, T replaced by C.
Protein change: p.Leu491Pro; replaces leucine 491 with proline.
Molecular consequence: missense variant.
Genome position (GRCh38, 1-based): chr17:8,007,434, T>C. VCF-style: chr17-8007434-T-C. GRCh37 (hg19) VCF-style: chr17-7910752-T-C.
Other names: c.1472T>C (NM_000180.3); short protein forms L491P.
Identifiers: ClinVar variation 2940152 (VCV002940152.4), dbSNP rs1463384120, ClinGen allele CA397949067.
Genomic context (GRCh38, chr17:8,007,434, plus strand): 5'-TCTTCTGACGGAACTTGGTGCCCTTGGTGGAGGTGACCTCTTTCTCCACCAGGCACCGGC[T>C]ACTTCACATGCAAATGGTCTCCGGCCCCAACAAGATCATCCTGACCGTGGACGACATCAC-3'
Protein context (NP_000171.1, residues 481-501): AFLAHYVRHR[Leu491Pro]LHMQMVSGPN

ClinVar aggregate classification (germline): Uncertain significance. Review status: criteria provided, multiple submitters, no conflicts (2 of 4 stars). 2 submissions from 2 submitters: Uncertain significance (2). Last evaluated 2026-02-17.

Conditions:
Inborn genetic diseases. Identifiers: MedGen C0950123, MeSH D030342.
Cone-rod dystrophy 6 (CORD6). Also called: RETINAL CONE DYSTROPHY 2; Cone dystrophy progressive. Identifiers: Orphanet 1872, MedGen C1866293, MONDO:0011143, OMIM 601777.
Leber congenital amaurosis 1 (LCA1). Also called: RETINAL BLINDNESS, CONGENITAL; AMAUROSIS CONGENITA OF LEBER I; Congenital absence of the rods and cones; Leber's congenital tapetoretinal degeneration; Leber's congenital tapetoretinal dysplasia. Identifiers: Orphanet 65, MedGen C2931258, MONDO:0008764, OMIM 204000.

Allele frequency attached by ClinVar (database versions not stated): gnomAD exomes below 0.00001; TOPMed below 0.00001.
gnomAD v4.1: 3 of 1,610,604 alleles (0.00019%); highest among the groups gnomAD compares: Admixed American, 0.005%; no homozygotes.

Submissions (2):

Ambry Genetics
Classification: Uncertain significance for Inborn genetic diseases. Last evaluated: 2026-02-17. Review status: criteria provided, single submitter. Criteria: Ambry Variant Classification Scheme 2023. Collection method: clinical testing. Allele origin: germline.

Labcorp Genetics (formerly Invitae), Labcorp
Classification: Uncertain significance for Leber congenital amaurosis 1; Cone-rod dystrophy 6. Last evaluated: 2023-12-17. Review status: criteria provided, single submitter. Criteria: Invitae Variant Classification Sherloc (09022015). Collection method: clinical testing. Allele origin: germline.
Comment: This sequence change replaces leucine, which is neutral and non-polar, with proline, which is neutral and non-polar, at codon 491 of the GUCY2D protein (p.Leu491Pro). This variant is present in population databases (no rsID available, gnomAD 0.006%). This variant has not been reported in the literature in individuals affected with GUCY2D-related conditions. Advanced modeling of protein sequence and biophysical properties (such as structural, functional, and spatial information, amino acid conservation, physicochemical variation, residue mobility, and thermodynamic stability) performed at Invitae indicates that this missense variant is not expected to disrupt GUCY2D protein function with a negative predictive value of 80%. In summary, the available evidence is currently insufficient to determine the role of this variant in disease. Therefore, it has been classified as a Variant of Uncertain Significance.